The following is an entry in ClinVar:

ClinVar aggregate classification (germline): Uncertain significance (1 of 4 stars; one submission).

Conditions:
Dilated cardiomyopathy 1G (CMD1G). Identifiers: Orphanet 154, MedGen C1858763, MONDO:0011400, OMIM 604145.
Autosomal recessive limb-girdle muscular dystrophy type 2J (LGMDR10). Also called: Limb-girdle muscular dystrophy, type 2J; MUSCULAR DYSTROPHY, LIMB-GIRDLE, AUTOSOMAL RECESSIVE 10. Identifiers: Orphanet 140922, MedGen C1837342, MONDO:0012127, OMIM 608807.

gnomAD v4.1: 2 of 1,613,988 alleles (0.00012%); highest among the groups gnomAD compares: Non-Finnish European, 0.00017%; no homozygotes.

Submission:

Labcorp Genetics (formerly Invitae), Labcorp
Classification: Uncertain significance for Dilated cardiomyopathy 1G; Autosomal recessive limb-girdle muscular dystrophy type 2J. Last evaluated: 2024-06-03. Review status: criteria provided, single submitter. Criteria: Invitae Variant Classification Sherloc (09022015). Collection method: clinical testing. Allele origin: germline.
Comment: This sequence change replaces serine, which is neutral and polar, with proline, which is neutral and non-polar, at codon 35597 of the TTN protein (p.Ser35597Pro). This variant is not present in population databases (gnomAD no frequency). This variant has not been reported in the literature in individuals affected with TTN-related conditions. Experimental studies and prediction algorithms are not available or were not evaluated, and the functional significance of this variant is currently unknown. This variant is located in the M band of TTN (PMID: 25589632). Non-truncating variants in this region may be relevant for neuromuscular disorders, but have not been definitively shown to cause cardiomyopathy (PMID: 23975875). In summary, the available evidence is currently insufficient to determine the role of this variant in disease. Therefore, it has been classified as a Variant of Uncertain Significance.

Literature cited by the submitters: PubMed 25589632; PubMed 23975875.

NM_001267550.2(TTN):c.106789T>C (p.Ser35597Pro)

Genes: TTN (titin; minus strand), TTN-AS1 (TTN antisense RNA 1; plus strand). Cytogenetic location: 2q31.2.
Variant type: single nucleotide variant.
Coding change: c.106789T>C on transcript NM_001267550.2 (MANE Select); coding-DNA position 106789, T replaced by C.
Protein change: p.Ser35597Pro; replaces serine 35597 with proline.
Molecular consequence: missense variant.
Genome position (GRCh38, 1-based): chr2:178,528,962, A>G on the plus strand (T>C on the coding strand, the complement: TTN is on the minus strand). VCF-style: chr2-178528962-A-G. GRCh37 (hg19) VCF-style: chr2-179393689-A-G.
Other names: c.101866T>C, p.Ser33956Pro (NM_001256850.1); c.79594T>C, p.Ser26532Pro (NM_003319.4); c.99085T>C, p.Ser33029Pro (NM_133378.4); c.79969T>C, p.Ser26657Pro (NM_133432.3); c.80170T>C, p.Ser26724Pro (NM_133437.4); short protein forms S26532P, S26657P, S26724P, S33029P, S33956P, S35597P.
Identifiers: ClinVar variation 3756024 (VCV003756024.2).